The following is an entry in ClinVar:

ClinVar aggregate classification (germline): Pathogenic (1 of 4 stars; one submission).

Conditions:
Kabuki syndrome 1 (KABUK1). Also called: KMT2D-Related Kabuki Syndrome. Identifiers: Orphanet 2322, MedGen CN030661, MONDO:0007843, OMIM 147920.

Submission:

Victorian Clinical Genetics Services, Murdoch Childrens Research Institute
Classification: Pathogenic for Kabuki syndrome 1. Last evaluated: 2025-07-21. Review status: criteria provided, single submitter. Criteria: ACMG Guidelines, 2015. Collection method: clinical testing. Allele origin: germline. Affected: yes.
Comment: This variant is classified as Pathogenic. Evidence in support of pathogenic classification: Variant is predicted to cause nonsense-mediated decay (NMD) and loss of protein (premature termination codon is located at least 54 nucleotides upstream of the final exon-exon junction); Variant is absent from gnomAD (v2, v3 and v4); Other NMD-predicted variants comparable to the one identified in this case have very strong previous evidence for pathogenicity (DECIPHER); Additional information: This variant is heterozygous; This gene is associated with autosomal dominant disease; This variant has no previous evidence of pathogenicity; No published evidence of segregation with disease has been identified for this variant; No published functional evidence has been identified for this variant; Loss of function is a known mechanism of disease in this gene and is associated with Kabuki syndrome 1 (MIM#147920) and branchial arch abnormalities, choanal atresia, athelia, hearing loss, and hypothyroidism syndrome (MIM#620186); Variants in this gene are known to have variable expressivity (PMIDs: 21882399, 31949313).

Literature cited by the submitters: PubMed 21882399; PubMed 31949313.

NM_003482.4(KMT2D):c.13467dup (p.His4490fs)

Gene: KMT2D (lysine methyltransferase 2D; minus strand). Cytogenetic location: 12q13.12.
Variant type: Duplication.
Coding change: c.13467dup on transcript NM_003482.4 (MANE Select); coding-DNA position 13467, one base duplicated (G; older notation c.13467dupG).
Protein change: p.His4490fs; shifts the reading frame from histidine 4490.
Molecular consequence: frameshift variant.
Genome position (GRCh38, 1-based): chr12:49,031,238, C duplicated on the plus strand (G on the coding strand, the reverse complement: KMT2D is on the minus strand); the first of 3 consecutive C bases (chr12:49,031,238-49,031,240); duplicating any one gives the same sequence. VCF-style (leftmost placement, unchanged base first): chr12-49031237-G-GC. GRCh37 (hg19) VCF-style: chr12-49425020-G-GC.
Other names: short protein forms H4490fs.
Identifiers: ClinVar variation 4531418 (VCV004531418.1).